The following is an entry in ClinVar:

ClinVar aggregate classification (germline): Uncertain significance (1 of 4 stars; one submission).

gnomAD v4.1: 3 of 1,504,408 alleles (0.0002%); highest among the groups gnomAD compares: Non-Finnish European, 0.00026%; no homozygotes.

Submission:

Labcorp Genetics (formerly Invitae), Labcorp
Classification: Uncertain significance. Last evaluated: 2025-12-06. Review status: criteria provided, single submitter. Criteria: Invitae Variant Classification Sherloc (09022015). Collection method: clinical testing. Allele origin: germline.
Comment: This sequence change replaces glycine, which is neutral and non-polar, with serine, which is neutral and polar, at codon 17 of the SPPL2A protein (p.Gly17Ser). This variant is not present in population databases (gnomAD no frequency). This variant has not been reported in the literature in individuals affected with SPPL2A-related conditions. An algorithm developed to predict the effect of missense changes on protein structure and function outputs the following: PolyPhen-2: "Benign". The serine amino acid residue is found in multiple mammalian species, which suggests that this missense change does not adversely affect protein function. In summary, the available evidence is currently insufficient to determine the role of this variant in disease. Therefore, it has been classified as a Variant of Uncertain Significance.

NM_032802.4(SPPL2A):c.49G>A (p.Gly17Ser)

Genes: SPPL2A (signal peptide peptidase like 2A; minus strand), LOC130057047 (ATAC-STARR-seq lymphoblastoid silent region 6430; plus strand). Cytogenetic location: 15q21.2.
Variant type: single nucleotide variant.
Coding change: c.49G>A on transcript NM_032802.4 (MANE Select); coding-DNA position 49, G replaced by A.
Protein change: p.Gly17Ser; replaces glycine 17 with serine.
Molecular consequence: missense variant.
Genome position (GRCh38, 1-based): chr15:50,765,485, C>T on the plus strand (G>A on the coding strand, the complement: SPPL2A is on the minus strand). VCF-style: chr15-50765485-C-T. GRCh37 (hg19) VCF-style: chr15-51057682-C-T.
Other names: c.49G>A, p.Gly17Ser (NM_001438111.1, NM_001438112.1); short protein forms G17S.
Identifiers: ClinVar variation 4761474 (VCV004761474.1).